The following is an entry in ClinVar:

NM_013432.5(TONSL):c.2617C>T (p.Arg873Cys)

Genes: TONSL (tonsoku like, DNA repair protein; minus strand), TONSL-AS1 (TONSL antisense RNA 1; plus strand). Cytogenetic location: 8q24.3.
Variant type: single nucleotide variant.
Coding change: c.2617C>T on transcript NM_013432.5 (MANE Select); coding-DNA position 2617, C replaced by T.
Protein change: p.Arg873Cys; replaces arginine 873 with cysteine.
Molecular consequence: missense variant.
Genome position (GRCh38, 1-based): chr8:144,435,816, G>A on the plus strand (C>T on the coding strand, the complement: TONSL is on the minus strand). VCF-style: chr8-144435816-G-A. GRCh37 (hg19) VCF-style: chr8-145661199-G-A.
Other names: c.2617C>T (NM_013432.4); short protein forms R873C.
Identifiers: ClinVar variation 1425861 (VCV001425861.5), dbSNP rs757192033, ClinGen allele CA4942770.

ClinVar aggregate classification (germline): Uncertain significance. Review status: criteria provided, multiple submitters, no conflicts (2 of 4 stars). 2 submissions from 2 submitters: Uncertain significance (2). Last evaluated 2023-12-20.

Conditions:
Inborn genetic diseases. Identifiers: MedGen C0950123, MeSH D030342.

Allele frequency attached by ClinVar (database versions not stated): gnomAD 0.00001 and 0.00002; gnomAD exomes 0.00001 and 0.00002; ExAC 0.00002; TOPMed 0.00002.

Submissions (2):

Ambry Genetics
Classification: Uncertain significance for Inborn genetic diseases. Last evaluated: 2023-12-20. Review status: criteria provided, single submitter. Criteria: Ambry Variant Classification Scheme 2023. Collection method: clinical testing. Allele origin: germline.

Labcorp Genetics (formerly Invitae), Labcorp
Classification: Uncertain significance. Last evaluated: 2021-10-10. Review status: criteria provided, single submitter. Criteria: Invitae Variant Classification Sherloc (09022015). Collection method: clinical testing. Allele origin: germline.
Comment: In summary, the available evidence is currently insufficient to determine the role of this variant in disease. Therefore, it has been classified as a Variant of Uncertain Significance. Algorithms developed to predict the effect of missense changes on protein structure and function (SIFT, PolyPhen-2, Align-GVGD) all suggest that this variant is likely to be disruptive. This variant has not been reported in the literature in individuals affected with TONSL-related conditions. This variant is present in population databases (rs757192033, ExAC 0.02%). This sequence change replaces arginine with cysteine at codon 873 of the TONSL protein (p.Arg873Cys). The arginine residue is highly conserved and there is a large physicochemical difference between arginine and cysteine.